The following is an entry in ClinVar:

NM_004656.4(BAP1):c.622C>T (p.Arg208Trp)

Gene: BAP1 (BRCA1 associated deubiquitinase 1; minus strand). Cytogenetic location: 3p21.1.
Variant type: single nucleotide variant.
Coding change: c.622C>T on transcript NM_004656.4 (MANE Select); coding-DNA position 622, C replaced by T.
Protein change: p.Arg208Trp; replaces arginine 208 with tryptophan.
Molecular consequence: missense variant.
Genome position (GRCh38, 1-based): chr3:52,406,866, G>A on the plus strand (C>T on the coding strand, the complement: BAP1 is on the minus strand). VCF-style: chr3-52406866-G-A. GRCh37 (hg19) VCF-style: chr3-52440882-G-A.
Other names: short protein forms R208W.
Identifiers: ClinVar variation 962862 (VCV000962862.13), dbSNP rs1705177686, ClinGen allele CA353108981.

ClinVar aggregate classification (germline): Uncertain significance. Review status: criteria provided, multiple submitters, no conflicts (2 of 4 stars). 3 submissions from 3 submitters: Uncertain significance (3). Last evaluated 2025-06-18.

Conditions:
Hereditary cancer-predisposing syndrome. Also called: Tumor predisposition; Hereditary neoplastic syndrome; Hereditary Cancer Syndrome; Neoplastic Syndromes, Hereditary. Identifiers: Orphanet 140162, MedGen C0027672, MeSH D009386, MONDO:0015356.
BAP1-related tumor predisposition syndrome (TPDS1). Also called: Tumor susceptibility linked to germline BAP1 mutations; COMMON Syndrome; TUMOR PREDISPOSITION SYNDROME 1; BAP1 tumor predisposition syndrome. Identifiers: Orphanet 289539, MedGen C3280492, MONDO:0013692, OMIM 614327.

Allele frequency attached by ClinVar (database versions not stated): gnomAD exomes below 0.00001.
gnomAD v4.1: 2 of 1,567,186 alleles (0.00013%); highest among the groups gnomAD compares: East Asian, 0.0024%; no homozygotes.

Submissions (3):

Ambry Genetics
Classification: Uncertain significance for Hereditary cancer-predisposing syndrome. Last evaluated: 2025-06-18. Review status: criteria provided, single submitter. Criteria: Ambry Variant Classification Scheme 2023. Collection method: clinical testing. Allele origin: germline.
Comment: The p.R208W variant (also known as c.622C>T), located in coding exon 8 of the BAP1 gene, results from a C to T substitution at nucleotide position 622. The arginine at codon 208 is replaced by tryptophan, an amino acid with dissimilar properties. This amino acid position is highly conserved in available vertebrate species. In addition, the in silico prediction for this alteration is inconclusive. Since supporting evidence is limited at this time, the clinical significance of this alteration remains unclear.

Labcorp Genetics (formerly Invitae), Labcorp
Classification: Uncertain significance for BAP1-related tumor predisposition syndrome. Last evaluated: 2024-10-02. Review status: criteria provided, single submitter. Criteria: Invitae Variant Classification Sherloc (09022015). Collection method: clinical testing. Allele origin: germline.
Comment: This sequence change replaces arginine, which is basic and polar, with tryptophan, which is neutral and slightly polar, at codon 208 of the BAP1 protein (p.Arg208Trp). This variant is not present in population databases (gnomAD no frequency). This variant has not been reported in the literature in individuals affected with BAP1-related conditions. ClinVar contains an entry for this variant (Variation ID: 962862). Invitae Evidence Modeling of protein sequence and biophysical properties (such as structural, functional, and spatial information, amino acid conservation, physicochemical variation, residue mobility, and thermodynamic stability) has been performed for this missense variant. However, the output from this modeling did not meet the statistical confidence thresholds required to predict the impact of this variant on BAP1 protein function. In summary, the available evidence is currently insufficient to determine the role of this variant in disease. Therefore, it has been classified as a Variant of Uncertain Significance.

GeneDx
Classification: Uncertain significance. Last evaluated: 2022-01-04. Review status: criteria provided, single submitter. Criteria: GeneDx Variant Classification Process June 2021. Collection method: clinical testing. Allele origin: germline. Affected: yes.
Comment: Not observed at significant frequency in large population cohorts (gnomAD); In silico analysis supports that this missense variant has a deleterious effect on protein structure/function; Has not been previously published as pathogenic or benign to our knowledge